The following is an entry in ClinVar:

NM_014855.3(AP5Z1):c.2222AGG[1] (p.Glu742del)

Gene: AP5Z1 (adaptor related protein complex 5 subunit zeta 1; plus strand). Cytogenetic location: 7p22.1.
Variant type: Microsatellite.
Coding change: c.2222AGG[1] on transcript NM_014855.3 (MANE Select); one copy of the 3-base unit AGG starting at c.2222; the reference has two copies in a row; one copy, 3 bases deleted.
Protein change: p.Glu742del; deletes glutamic acid 742.
Molecular consequence: inframe deletion. On other transcripts: non-coding transcript variant (1).
Genome position (GRCh38, 1-based): chr7:4,791,186-4,791,188, AGG deleted; deleting any 3 consecutive bases within chr7:4,791,182-4,791,188 gives the same sequence; the position shown is the placement nearest the transcript's 3' end. VCF-style (leftmost placement, unchanged base first): chr7-4791181-CGAG-C. GRCh37 (hg19) VCF-style: chr7-4830812-CGAG-C.
Other names: c.1754AGG[1], p.Glu586del (NM_001364858.1); short protein forms E742del, E586del.
Identifiers: ClinVar variation 1998191 (VCV001998191.4), dbSNP rs2534083277, ClinGen allele CA2580615834.
Genomic context (GRCh38, chr7:4,791,181, plus strand): 5'-TTTATTGCTGTCAAAGATGAGGACCCTGGCTCACAGTCCAGCCACCAGCTCCACGCACAG[CGAG>C]GAGGGCGCGGAAGCCATCCGTACCCGGGCCACAGAGCTGCTGACCCTGCTGAAGATGCCT-3'

ClinVar aggregate classification (germline): Uncertain significance (1 of 4 stars; one submission).

Conditions:
Hereditary spastic paraplegia 48. Also called: SPASTIC PARAPLEGIA 48, AUTOSOMAL RECESSIVE; Spastic paraplegia 48. Identifiers: Orphanet 306511, MedGen C3150901, MONDO:0013342, OMIM 613647.

Submission:

Labcorp Genetics (formerly Invitae), Labcorp
Classification: Uncertain significance for Hereditary spastic paraplegia 48. Last evaluated: 2023-07-17. Review status: criteria provided, single submitter. Criteria: Invitae Variant Classification Sherloc (09022015). Collection method: clinical testing. Allele origin: germline.
Comment: This variant is not present in population databases (gnomAD no frequency). This variant, c.2225_2227del, results in the deletion of 1 amino acid(s) of the AP5Z1 protein (p.Glu742del), but otherwise preserves the integrity of the reading frame. This variant has not been reported in the literature in individuals affected with AP5Z1-related conditions. Experimental studies and prediction algorithms are not available or were not evaluated, and the functional significance of this variant is currently unknown. In summary, the available evidence is currently insufficient to determine the role of this variant in disease. Therefore, it has been classified as a Variant of Uncertain Significance.